The following is an entry in ClinVar:

NM_001753.5(CAV1):c.43A>G (p.Thr15Ala)

Gene: CAV1 (caveolin 1; plus strand). Cytogenetic location: 7q31.2.
Variant type: single nucleotide variant.
Coding change: c.43A>G on transcript NM_001753.5 (MANE Select); coding-DNA position 43, A replaced by G.
Protein change: p.Thr15Ala; replaces threonine 15 with alanine.
Molecular consequence: missense variant. On other transcripts: 5 prime UTR variant (3).
Genome position (GRCh38, 1-based): chr7:116,526,537, A>G. VCF-style: chr7-116526537-A-G. GRCh37 (hg19) VCF-style: chr7-116166591-A-G.
Other names: c.-51A>G (NM_001172895.1, NM_001172896.2, NM_001172897.2); short protein forms T15A.
Identifiers: ClinVar variation 393407 (VCV000393407.1), dbSNP rs760934779, ClinGen allele CA4447818.

ClinVar aggregate classification (germline): Uncertain significance (1 of 4 stars; one submission).

Conditions:
Monogenic diabetes. Identifiers: Orphanet 183625, MedGen C3888631, MONDO:0015967.

Allele frequency attached by ClinVar (database versions not stated): ExAC 0.00001; gnomAD 0.00001; gnomAD exomes 0.00001; TOPMed 0.00001.
gnomAD v4.1: 13 of 1,613,576 alleles (0.00081%); highest among the groups gnomAD compares: Non-Finnish European, 0.0011%; no homozygotes.

Submission:

Personalized Diabetes Medicine Program, University of Maryland School of Medicine
Classification: Uncertain significance for Monogenic diabetes. Last evaluated: 2016-05-17. Review status: criteria provided, single submitter. Criteria: ACMG Guidelines, 2015. Collection method: research. Allele origin: unknown. Observed: 1 variant allele, 1 heterozygote.
Comment: ACMG Criteria: PP3, BP4